The following is an entry in ClinVar:

NM_002474.3(MYH11):c.3849C>G (p.His1283Gln)

Gene: MYH11 (myosin heavy chain 11; minus strand). Cytogenetic location: 16p13.11.
Variant type: single nucleotide variant.
Coding change: c.3849C>G on transcript NM_002474.3 (MANE Select); coding-DNA position 3849, C replaced by G.
Protein change: p.His1283Gln; replaces histidine 1283 with glutamine.
Molecular consequence: missense variant.
Genome position (GRCh38, 1-based): chr16:15,726,857, G>C on the plus strand (C>G on the coding strand, the complement: MYH11 is on the minus strand). VCF-style: chr16-15726857-G-C. GRCh37 (hg19) VCF-style: chr16-15820714-G-C.
Other names: c.3870C>G, p.His1290Gln (NM_001040113.2, NM_001040114.2); c.3849C>G, p.His1283Gln (NM_022844.3); short protein forms H1290Q, H1283Q.
Identifiers: ClinVar variation 3630325 (VCV003630325.2).

ClinVar aggregate classification (germline): Uncertain significance (1 of 4 stars; one submission).

Conditions:
Aortic aneurysm, familial thoracic 4 (AAT4). Also called: AORTIC ANEURYSM/AORTIC DISSECTION AND PATENT DUCTUS ARTERIOSUS. Identifiers: MedGen C1851504, MONDO:0007568, OMIM 132900.

gnomAD v4.1: 1 of 1,611,952 alleles (0.000062%); highest among the groups gnomAD compares: Non-Finnish European, 0.000085%; no homozygotes.

Submission:

Labcorp Genetics (formerly Invitae), Labcorp
Classification: Uncertain significance for Aortic aneurysm, familial thoracic 4. Last evaluated: 2025-08-04. Review status: criteria provided, single submitter. Criteria: Invitae Variant Classification Sherloc (09022015). Collection method: clinical testing. Allele origin: germline.
Comment: This sequence change replaces histidine, which is basic and polar, with glutamine, which is neutral and polar, at codon 1290 of the MYH11 protein (p.His1290Gln). This variant is not present in population databases (gnomAD no frequency). This variant has not been reported in the literature in individuals affected with MYH11-related conditions. ClinVar contains an entry for this variant (Variation ID: 3630325). Invitae Evidence Modeling of protein sequence and biophysical properties (such as structural, functional, and spatial information, amino acid conservation, physicochemical variation, residue mobility, and thermodynamic stability) indicates that this missense variant is not expected to disrupt MYH11 protein function with a negative predictive value of 95%. In summary, the available evidence is currently insufficient to determine the role of this variant in disease. Therefore, it has been classified as a Variant of Uncertain Significance.